The following is an entry in ClinVar:

ClinVar aggregate classification (germline): Likely pathogenic (1 of 4 stars; one submission).

Conditions:
Basal cell nevus syndrome 1 (BCNS1). Also called: GORLIN-GOLTZ SYNDROME; MULTIPLE BASAL CELL NEVI, ODONTOGENIC KERATOCYSTS, AND SKELETAL ANOMALIES. Identifiers: MedGen CN376810, MONDO:0958174, OMIM 109400.

Submission:

Molecular Genetics Department, Kulakov National Medical Research Center for Obstetrics, Gynecology and Perinatology
Classification: Likely pathogenic for Basal cell nevus syndrome 1. Review status: criteria provided, single submitter. Criteria: ACMG Guidelines, 2015. Collection method: clinical testing. Allele origin: germline. Affected: yes.
Comment: A previously undescribed nucleotide variant creates a frameshift p.Glu1120SerfsTer19 in the PTCH1 gene. Loss-of-function variants are reported in patients with Basal cell nevus syndrome 1, 109400. The variant is not present in population database (gnomAD no frequency). In summary, the currently available evidence indicates that the variant is pathogenic, but additional data are needed to prove that conclusively. Therefore, this variant has been classified as likely pathogenic.

NM_000264.5(PTCH1):c.3358del (p.Glu1120fs)

Gene: PTCH1 (patched 1; minus strand). Cytogenetic location: 9q22.32.
Variant type: Deletion.
Coding change: c.3358del on transcript NM_000264.5 (MANE Select); coding-DNA position 3358, one base deleted (G; older notation c.3358delG).
Protein change: p.Glu1120fs; shifts the reading frame from glutamic acid 1120.
Molecular consequence: frameshift variant. On other transcripts: non-coding transcript variant (1).
Genome position (GRCh38, 1-based): chr9:95,453,569, C deleted on the plus strand (G on the coding strand, the reverse complement: PTCH1 is on the minus strand); the first of 2 consecutive C bases (chr9:95,453,569-95,453,570); deleting either gives the same sequence. VCF-style (leftmost placement, unchanged base first): chr9-95453568-TC-T. GRCh37 (hg19) VCF-style: chr9-98215850-TC-T.
Other names: c.3160del, p.Glu1054fs (NM_001083602.3); c.3355del, p.Glu1119fs (NM_001083603.3); c.2905del, p.Glu969fs (NM_001083604.3, NM_001083605.3, NM_001083606.3 and 1 more transcripts); c.3202del, p.Glu1068fs (NM_001354918.2); short protein forms E1054fs, E1068fs, E1119fs, E1120fs, E969fs.
Identifiers: ClinVar variation 3062242 (VCV003062242.1), dbSNP rs2538041118, ClinGen allele CA2740095531.
Genomic context (GRCh38, chr9:95,453,568, plus strand): 5'-AGCATCAGCACTCCCAGCAGAGTGGACACGGCGCCATCCAGGACGGGTGCAAACATGTGC[TC>T]CAGGGCAAGCACAGCCCTGCGGTTCTTGTCGCCGATGGCCGTCAGAAAGGCCTGTGCAAT-3'